The following is an entry in ClinVar:

NM_145290.4(ADGRA3):c.3632T>C (p.Leu1211Pro)

Gene: ADGRA3 (adhesion G protein-coupled receptor A3; minus strand). Cytogenetic location: 4p15.2.
Variant type: single nucleotide variant.
Coding change: c.3632T>C on transcript NM_145290.4 (MANE Select); coding-DNA position 3632, T replaced by C.
Protein change: p.Leu1211Pro; replaces leucine 1211 with proline.
Molecular consequence: missense variant.
Genome position (GRCh38, 1-based): chr4:22,388,039, A>G on the plus strand (T>C on the coding strand, the complement: ADGRA3 is on the minus strand). VCF-style: chr4-22388039-A-G. GRCh37 (hg19) VCF-style: chr4-22389662-A-G.
Other names: short protein forms L1211P.
Identifiers: ClinVar variation 1360849 (VCV001360849.8), dbSNP rs756876606, ClinGen allele CA2873326.
Genomic context (GRCh38, chr4:22,388,039, plus strand): 5'-TGTCTCTCTCTGTAGGCTAAATAAGCTCTTCGGCTCCTCGAGTGTCCTTCGTTATTGCCC[A>G]GCCGGCTTTTAGGTAAGCCGTTCTGCACGCTTCCTTCCACGCTCGTTGGGACATCGTAGG-3'
Protein context (NP_660333.2, residues 1201-1221): SVQNGLPKSR[Leu1211Pro]GNNEGHSRSR

ClinVar aggregate classification (germline): Uncertain significance (1 of 4 stars; one submission).

Allele frequency attached by ClinVar (database versions not stated): ExAC 0.00001; gnomAD 0.00001; gnomAD exomes 0.00002; TOPMed 0.00003.
gnomAD v4.1: 33 of 1,614,012 alleles (0.002%); highest among the groups gnomAD compares: Non-Finnish European, 0.0026%; no homozygotes.

Submission:

Labcorp Genetics (formerly Invitae), Labcorp
Classification: Uncertain significance. Last evaluated: 2025-01-20. Review status: criteria provided, single submitter. Criteria: Invitae Variant Classification Sherloc (09022015). Collection method: clinical testing. Allele origin: germline.
Comment: This sequence change replaces leucine, which is neutral and non-polar, with proline, which is neutral and non-polar, at codon 1211 of the ADGRA3 protein (p.Leu1211Pro). This variant is present in population databases (rs756876606, gnomAD 0.004%). This variant has not been reported in the literature in individuals affected with ADGRA3-related conditions. ClinVar contains an entry for this variant (Variation ID: 1360849). An algorithm developed to predict the effect of missense changes on protein structure and function outputs the following: PolyPhen-2: "Benign". The proline amino acid residue is found in multiple mammalian species, which suggests that this missense change does not adversely affect protein function. In summary, the available evidence is currently insufficient to determine the role of this variant in disease. Therefore, it has been classified as a Variant of Uncertain Significance.